The following is an entry in ClinVar:

ClinVar aggregate classification (germline): Likely benign (1 of 4 stars; one submission).

Allele frequency attached by ClinVar (database versions not stated): ExAC 0.00002; gnomAD 0.00004; gnomAD exomes 0.00005.
gnomAD v4.1: 81 of 1,610,534 alleles (0.005%); highest among the groups gnomAD compares: Admixed American, 0.017%; no homozygotes.

Submission:

CeGaT Center for Human Genetics Tuebingen
Classification: Likely benign. Last evaluated: 2022-10-01. Review status: criteria provided, single submitter. Criteria: CeGaT Center For Human Genetics Tuebingen Variant Classification Criteria Version 2. Collection method: clinical testing. Allele origin: germline. Affected: yes. Observed: 2 variant alleles.
Comment: WNT7B: BP4, BP7

NM_058238.3(WNT7B):c.36G>A (p.Val12=)

Gene: WNT7B (Wnt family member 7B; minus strand). Cytogenetic location: 22q13.31.
Variant type: single nucleotide variant.
Coding change: c.36G>A on transcript NM_058238.3 (MANE Select); coding-DNA position 36, G replaced by A.
Protein change: p.Val12=; no amino-acid change (valine 12 retained).
Molecular consequence: synonymous variant.
Genome position (GRCh38, 1-based): chr22:45,976,719, C>T on the plus strand (G>A on the coding strand, the complement: WNT7B is on the minus strand). VCF-style: chr22-45976719-C-T. GRCh37 (hg19) VCF-style: chr22-46372599-C-T.
Identifiers: ClinVar variation 2653297 (VCV002653297.24), dbSNP rs774389678, ClinGen allele CA10288404.